The following is an entry in ClinVar:

ClinVar aggregate classification (germline): Pathogenic. Review status: criteria provided, multiple submitters, no conflicts (2 of 4 stars). 3 submissions from 3 submitters: Pathogenic (2). 1 of the submissions does not count toward it. Last evaluated 2025-04-14.

Conditions:
Von Hippel-Lindau syndrome (VHLS). Also called: Von Hippel-Lindau; von Hippel–Lindau syndrome; VHL syndrome. Identifiers: Orphanet 892, MedGen C0019562, MONDO:0008667, OMIM 193300. Disease mechanism: loss of function.
Chuvash polycythemia. Also called: POLYCYTHEMIA, VHL-DEPENDENT. Identifiers: Orphanet 238557, MedGen C1837915, MONDO:0009892, OMIM 263400.
Hereditary cancer-predisposing syndrome. Also called: Tumor predisposition; Hereditary neoplastic syndrome; Neoplastic Syndromes, Hereditary; Hereditary Cancer Syndrome. Identifiers: Orphanet 140162, MedGen C0027672, MeSH D009386, MONDO:0015356.

Submissions (3):

Labcorp Genetics (formerly Invitae), Labcorp
Classification: Pathogenic for Von Hippel-Lindau syndrome; Chuvash polycythemia. Last evaluated: 2025-04-14. Review status: criteria provided, single submitter. Criteria: Invitae Variant Classification Sherloc (09022015). Collection method: clinical testing. Allele origin: germline.
Comment: This sequence change creates a premature translational stop signal (p.Tyr185*) in the VHL gene. While this is not anticipated to result in nonsense mediated decay, it is expected to disrupt the last 29 amino acid(s) of the VHL protein. This variant is not present in population databases (gnomAD no frequency). This premature translational stop signal has been observed in individuals with von Hippel-Lindau disease (PMID: 7987306, 23298237; internal data). This variant is also known as Tyr256Ter. ClinVar contains an entry for this variant (Variation ID: 223233). This variant disrupts the p.Leu188 amino acid residue in VHL. Other variant(s) that disrupt this residue have been determined to be pathogenic (PMID: 7563486, 7987306, 8772572, 19228690, 23772956). This suggests that this residue is clinically significant, and that variants that disrupt this residue are likely to be disease-causing. For these reasons, this variant has been classified as Pathogenic.

Ambry Genetics
Classification: Pathogenic for Hereditary cancer-predisposing syndrome. Last evaluated: 2019-09-22. Review status: criteria provided, single submitter. Criteria: Ambry Variant Classification Scheme 2023. Collection method: clinical testing. Allele origin: germline.
Comment: The p.Y185* pathogenic mutation (also known as c.555C>G), located in coding exon 3 of the VHL gene, results from a C to G substitution at nucleotide position 555. This changes the amino acid from a tyrosine to a stop codon within coding exon 3. This mutation has been detected in multiple VHL patients (Crossey PA et al. Hum. Mol. Genet. 1994 Aug;3(8):1303-8; Zbar B et al. Hum. Mutat. 1996;8(4):348-57; Stolle C et al. Hum. Mutat. 1998;12(6):417-23). In addition, this mutation was detected as a somatic mutation in a primary sporadic renal cell cancer (Whaley JM et al. Am. J. Hum. Genet. 1994 Dec;55(6):1092-102). Of note, this alteration has also been designated as 768C>G and Tyr256Ter in published literature. In addition to the clinical data presented in the literature, this alteration is expected to result in loss of function by premature protein truncation. As such, this alteration is interpreted as a disease-causing mutation.

Genomic Diagnostic Laboratory, Division of Genomic Diagnostics, Children's Hospital of Philadelphia
Classification: Pathogenic for Von Hippel-Lindau syndrome. Last evaluated: 2016-02-26. Review status: no assertion criteria provided. Collection method: clinical testing. Allele origin: germline. Observed: 3 variant alleles. Not counted in ClinVar's aggregate classification.

Literature cited by the submitters: PubMed 7987306 (cited by Labcorp Genetics (formerly Invitae), Labcorp); PubMed 23298237 (cited by Labcorp Genetics (formerly Invitae), Labcorp); PubMed 7563486 (cited by Labcorp Genetics (formerly Invitae), Labcorp); PubMed 8772572 (cited by Labcorp Genetics (formerly Invitae), Labcorp); PubMed 19228690 (cited by Labcorp Genetics (formerly Invitae), Labcorp); PubMed 23772956 (cited by Labcorp Genetics (formerly Invitae), Labcorp).

NM_000551.4(VHL):c.555C>G (p.Tyr185Ter)

Genes: VHL (von Hippel-Lindau tumor suppressor; plus strand), LOC107303340 (3p25 von Hippel-Lindau tumor suppressor, E3 ubiquitin protein ligase Alu-mediated recombination region; plus strand). Cytogenetic location: 3p25.3.
Variant type: single nucleotide variant.
Coding change: c.555C>G on transcript NM_000551.4 (MANE Select); coding-DNA position 555, C replaced by G.
Protein change: p.Tyr185Ter; replaces tyrosine 185 with a stop codon.
Molecular consequence: nonsense. On other transcripts: 3 prime UTR variant (1).
Genome position (GRCh38, 1-based): chr3:10,149,878, C>G. VCF-style: chr3-10149878-C-G. GRCh37 (hg19) VCF-style: chr3-10191562-C-G.
Other names: c.*109C>G (NM_001354723.2); c.432C>G, p.Tyr144Ter (NM_198156.3); short protein forms Y185*, Y144*.
Identifiers: ClinVar variation 223233 (VCV000223233.14), dbSNP rs864622109, ClinGen allele CA357075.
Genomic context (GRCh38, chr3:10,149,878, plus strand): 5'-TGTCCGGAGCCTAGTCAAGCCTGAGAATTACAGGAGACTGGACATCGTCAGGTCGCTCTA[C>G]GAAGATCTGGAAGACCACCCAAATGTGCAGAAAGACCTGGAGCGGCTGACACAGGAGCGC-3'